The following is an entry in ClinVar:

NM_032638.5(GATA2):c.636G>T (p.Lys212Asn)

Gene: GATA2 (GATA binding protein 2; minus strand). Cytogenetic location: 3q21.3.
Variant type: single nucleotide variant.
Coding change: c.636G>T on transcript NM_032638.5 (MANE Select); coding-DNA position 636, G replaced by T.
Protein change: p.Lys212Asn; replaces lysine 212 with asparagine.
Molecular consequence: missense variant.
Genome position (GRCh38, 1-based): chr3:128,485,962, C>A on the plus strand (G>T on the coding strand, the complement: GATA2 is on the minus strand). VCF-style: chr3-128485962-C-A. GRCh37 (hg19) VCF-style: chr3-128204805-C-A.
Other names: c.636G>T, p.Lys212Asn (NM_001145661.2, NM_001145662.1); short protein forms K212N.
Identifiers: ClinVar variation 653396 (VCV000653396.8), dbSNP rs1576748594, ClinGen allele CA354406365.

ClinVar aggregate classification (germline): Uncertain significance (1 of 4 stars; one submission).

Conditions:
Monocytopenia with susceptibility to infections. Also called: IMMUNODEFICIENCY 21; GATA2 DEFICIENCY; MONOCYTOPENIA AND MYCOBACTERIAL INFECTION SYNDROME; MONOCYTOPENIA WITH SUSCEPTIBILITY TO MYCOBACTERIAL, FUNGAL, AND PAPILLOMAVIRUS INFECTIONS AND MYELODYSPLASIA; COMBINED IMMUNODEFICIENCY WITH SUSCEPTIBILITY TO MYCOBACTERIAL, VIRAL, AND FUNGAL INFECTIONS; Dendritic cell, monocyte, B lymphocyte, and natural killer lymphocyte deficiency. Identifiers: Orphanet 228423, MedGen C3280030, MONDO:0013607, OMIM 614172.
Deafness-lymphedema-leukemia syndrome. Also called: Lymphedema, primary, with myelodysplasia; Emberger syndrome. Identifiers: Orphanet 3226, MedGen C3279664, MONDO:0013540, OMIM 614038.

Submission:

Labcorp Genetics (formerly Invitae), Labcorp
Classification: Uncertain significance for Monocytopenia with susceptibility to infections; Deafness-lymphedema-leukemia syndrome. Last evaluated: 2023-12-22. Review status: criteria provided, single submitter. Criteria: Invitae Variant Classification Sherloc (09022015). Collection method: clinical testing. Allele origin: germline.
Comment: This sequence change replaces lysine, which is basic and polar, with asparagine, which is neutral and polar, at codon 212 of the GATA2 protein (p.Lys212Asn). This variant is not present in population databases (gnomAD no frequency). This variant has not been reported in the literature in individuals affected with GATA2-related conditions. ClinVar contains an entry for this variant (Variation ID: 653396). Advanced modeling of protein sequence and biophysical properties (such as structural, functional, and spatial information, amino acid conservation, physicochemical variation, residue mobility, and thermodynamic stability) has been performed at Invitae for this missense variant, however the output from this modeling did not meet the statistical confidence thresholds required to predict the impact of this variant on GATA2 protein function. In summary, the available evidence is currently insufficient to determine the role of this variant in disease. Therefore, it has been classified as a Variant of Uncertain Significance.